The following is an entry in ClinVar:

ClinVar aggregate classification (germline): Uncertain significance. Review status: criteria provided, multiple submitters, no conflicts (2 of 4 stars). 2 submissions from 2 submitters: Uncertain significance (2). Last evaluated 2021-06-01.

Allele frequency attached by ClinVar (database versions not stated): TOPMed 0.00003; gnomAD 0.00005; gnomAD exomes 0.00005 and 0.00007; ExAC 0.00007; 1000 Genomes Project 0.00020; 1000 Genomes Project 30x 0.00031.
gnomAD v4.1: 82 of 1,614,052 alleles (0.0051%); highest among the groups gnomAD compares: Admixed American, 0.015%; no homozygotes.

Submissions (2):

GeneDx
Classification: Uncertain significance. Last evaluated: 2021-06-01. Review status: criteria provided, single submitter. Criteria: GeneDx Variant Classification Process June 2021. Collection method: clinical testing. Allele origin: germline. Affected: yes.
Comment: Not observed at significant frequency in large population cohorts (Lek et al., 2016); In silico analysis supports that this missense variant has a deleterious effect on protein structure/function; Has not been previously published as pathogenic or benign to our knowledge; This variant is associated with the following publications: (PMID: 26582918, 27535533)

CeGaT Center for Human Genetics Tuebingen
Classification: Uncertain significance. Last evaluated: 2017-04-01. Review status: criteria provided, single submitter. Criteria: CeGaT Center For Human Genetics Tuebingen Variant Classification Criteria Version 2. Collection method: clinical testing. Allele origin: germline. Affected: yes. Observed: 2 variant alleles.

NM_006420.3(ARFGEF2):c.5107G>C (p.Glu1703Gln)

Gene: ARFGEF2 (ARF guanine nucleotide exchange factor 2; plus strand). Cytogenetic location: 20q13.13.
Variant type: single nucleotide variant.
Coding change: c.5107G>C on transcript NM_006420.3 (MANE Select); coding-DNA position 5107, G replaced by C.
Protein change: p.Glu1703Gln; replaces glutamic acid 1703 with glutamine.
Molecular consequence: missense variant.
Genome position (GRCh38, 1-based): chr20:49,032,092, G>C. VCF-style: chr20-49032092-G-C. GRCh37 (hg19) VCF-style: chr20-47648629-G-C.
Other names: short protein forms E1703Q.
Identifiers: ClinVar variation 444568 (VCV000444568.45), dbSNP rs543611054, ClinGen allele CA9899406.